The following is an entry in ClinVar:

NM_005562.3(LAMC2):c.1362C>T (p.His454=)

Gene: LAMC2 (laminin subunit gamma 2; plus strand). Cytogenetic location: 1q25.3.
Variant type: single nucleotide variant.
Coding change: c.1362C>T on transcript NM_005562.3 (MANE Select); coding-DNA position 1362, C replaced by T.
Protein change: p.His454=; no amino-acid change (histidine 454 retained).
Molecular consequence: synonymous variant.
Genome position (GRCh38, 1-based): chr1:183,227,591, C>T. VCF-style: chr1-183227591-C-T. GRCh37 (hg19) VCF-style: chr1-183196726-C-T.
Other names: c.1362C>T, p.His454= (NM_018891.3).
Identifiers: ClinVar variation 793046 (VCV000793046.12), dbSNP rs779680054, ClinGen allele CA1282597.
Genomic context (GRCh38, chr1:183,227,591, plus strand): 5'-GGATGAGAATCCTGACATTGAGTGTGCTGACTGCCCAATTGGTTTCTACAACGATCCGCA[C>T]GACCCCCGCAGCTGCAAGCCATGTCCCTGTCATAACGGGTTCAGCTGCTCAGTGATGCCG-3'
Protein context (NP_005553.2, residues 444-464): DCPIGFYNDP[His454=]DPRSCKPCPC

ClinVar aggregate classification (germline): Likely benign. Review status: criteria provided, single submitter (1 of 4 stars). 2 submissions from 2 submitters: Likely benign (1). 1 of the submissions does not count toward it. Last evaluated 2025-10-12.

Conditions:
LAMC2-related disorder. Also called: LAMC2-related condition.

Allele frequency attached by ClinVar (database versions not stated): gnomAD 0.00002 and 0.00003; gnomAD exomes 0.00004 and 0.00008; TOPMed 0.00005; ExAC 0.00007.
gnomAD v4.1: 64 of 1,614,024 alleles (0.004%); highest among the groups gnomAD compares: Admixed American, 0.025%; no homozygotes.

Submissions (2):

Labcorp Genetics (formerly Invitae), Labcorp
Classification: Likely benign. Last evaluated: 2025-10-12. Review status: criteria provided, single submitter. Criteria: Invitae Variant Classification Sherloc (09022015). Collection method: clinical testing. Allele origin: germline.

PreventionGenetics, part of Exact Sciences
Classification: Likely benign for LAMC2-related condition. Last evaluated: 2024-02-15. Review status: no assertion criteria provided. Collection method: clinical testing. Allele origin: germline. Not counted in ClinVar's aggregate classification.
Comment: This variant is classified as likely benign based on ACMG/AMP sequence variant interpretation guidelines (Richards et al. 2015 PMID: 25741868, with internal and published modifications).